The following is an entry in ClinVar:

NM_001379270.1(CNGA1):c.546-1G>C

Genes: CNGA1 (cyclic nucleotide gated channel subunit alpha 1; minus strand), LOC101927157 (uncharacterized LOC101927157; plus strand). Cytogenetic location: 4p12.
Variant type: single nucleotide variant.
Coding change: c.546-1G>C on transcript NM_001379270.1 (MANE Select); the canonical splice acceptor site of the intron before coding-DNA position 546, G replaced by C.
Molecular consequence: splice acceptor variant.
Genome position (GRCh38, 1-based): chr4:47,940,870, C>G on the plus strand (G>C on the coding strand, the complement: CNGA1 is on the minus strand). VCF-style: chr4-47940870-C-G. GRCh37 (hg19) VCF-style: chr4-47942887-C-G.
Other names: c.546-1G>C (NM_000087.5, NM_001142564.2).
Identifiers: ClinVar variation 802071 (VCV000802071.8), dbSNP rs1037963003, ClinGen allele CA96692027.

ClinVar aggregate classification (germline): Pathogenic/Likely pathogenic. Review status: criteria provided, multiple submitters, no conflicts (2 of 4 stars). 3 submissions from 3 submitters: Pathogenic (1); Likely pathogenic (2). Last evaluated 2025-07-21.

Conditions:
Retinitis pigmentosa (RP). Identifiers: Orphanet 791, MedGen C0035334, MeSH D012174, MONDO:0019200, OMIM 268000. Inheritance: Autosomal dominant, autosomal recessive and X linked inheritance.
Retinitis pigmentosa 49 (RP49). Identifiers: Orphanet 791, MedGen C3151059, MONDO:0013405, OMIM 613756.

Submissions (3):

Laboratorio de Genetica e Diagnostico Molecular, Hospital Israelita Albert Einstein
Classification: Likely pathogenic for Retinitis pigmentosa 49. Last evaluated: 2025-07-21. Review status: criteria provided, single submitter. Criteria: ACMG Guidelines, 2015. Collection method: clinical testing. Allele origin: germline. Affected: yes.
Comment: ACMG classification criteria: PVS1 very strong, PM2 supporting

Labcorp Genetics (formerly Invitae), Labcorp
Classification: Pathogenic. Last evaluated: 2023-08-04. Review status: criteria provided, single submitter. Criteria: Invitae Variant Classification Sherloc (09022015). Collection method: clinical testing. Allele origin: germline.
Comment: For these reasons, this variant has been classified as Pathogenic. Algorithms developed to predict the effect of sequence changes on RNA splicing suggest that this variant may disrupt the consensus splice site. ClinVar contains an entry for this variant (Variation ID: 802071). Disruption of this splice site has been observed in individuals with retinitis pigmentosa (Invitae). This variant is not present in population databases (gnomAD no frequency). This sequence change affects an acceptor splice site in intron 9 of the CNGA1 gene. It is expected to disrupt RNA splicing. Variants that disrupt the donor or acceptor splice site typically lead to a loss of protein function (PMID: 16199547), and loss-of-function variants in CNGA1 are known to be pathogenic (PMID: 7479749, 25268133).

Mendelics
Classification: Likely pathogenic for Retinitis pigmentosa. Last evaluated: 2019-05-28. Review status: criteria provided, single submitter. Criteria: Mendelics Assertion Criteria 2017. Collection method: clinical testing. Allele origin: unknown.

Literature cited by the submitters: PubMed 16199547 (cited by Labcorp Genetics (formerly Invitae), Labcorp); PubMed 7479749 (cited by Labcorp Genetics (formerly Invitae), Labcorp); PubMed 25268133 (cited by Labcorp Genetics (formerly Invitae), Labcorp).